The following is an entry in ClinVar:

ClinVar aggregate classification (germline): Uncertain significance (1 of 4 stars; one submission).

Submission:

Dasa
Classification: Uncertain significance. Last evaluated: 2026-04-10. Review status: criteria provided, single submitter. Criteria: DASA Assertion Criteria. Collection method: clinical testing. Allele origin: germline.
Comment: NM_012310.5(KIF4A):c.3029C>A (p.Thr1010Asn) is a missense variant that results in the substitution of threonine with asparagine. This variant is rare in population databases. Computational prediction algorithms are consistent with a benign effect. The currently available literature and clinical evidence are not sufficient to establish a definitive association between this variant and the reported condition. Therefore, this variant is classified as a variant of uncertain significance.

NM_012310.5(KIF4A):c.3029C>A (p.Thr1010Asn)

Gene: KIF4A (kinesin family member 4A; plus strand). Cytogenetic location: Xq13.1.
Variant type: single nucleotide variant.
Coding change: c.3029C>A on transcript NM_012310.5 (MANE Select); coding-DNA position 3029, C replaced by A.
Protein change: p.Thr1010Asn; replaces threonine 1010 with asparagine.
Molecular consequence: missense variant.
Genome position (GRCh38, 1-based): chrX:70,406,311, C>A. VCF-style: chrX-70406311-C-A. GRCh37 (hg19) VCF-style: chrX-69626161-C-A.
Other names: short protein forms T1010N.
Identifiers: ClinVar variation 4882303 (VCV004882303.2).